The following is an entry in ClinVar:

ClinVar aggregate classification (germline): Conflicting classifications of pathogenicity. Review status: criteria provided, conflicting classifications (1 of 4 stars). 3 submissions from 3 submitters: Uncertain significance (1); Likely benign (1). 1 of the submissions does not count toward it. Last evaluated 2024-12-14.

Conditions:
Bloom syndrome (BLM). Also called: Bloom-Torre-Machacek syndrome. Identifiers: Orphanet 125, MedGen C0005859, MONDO:0008876, OMIM 210900.
Hereditary cancer-predisposing syndrome. Also called: Neoplastic Syndromes, Hereditary; Hereditary Cancer Syndrome; Hereditary neoplastic syndrome; Tumor predisposition. Identifiers: Orphanet 140162, MedGen C0027672, MeSH D009386, MONDO:0015356.

gnomAD v4.1: 20 of 1,593,330 alleles (0.0013%); highest among the groups gnomAD compares: Non-Finnish European, 0.0016%; no homozygotes.

Submissions (3):

Labcorp Genetics (formerly Invitae), Labcorp
Classification: Uncertain significance for Bloom syndrome. Last evaluated: 2024-12-14. Review status: criteria provided, single submitter. Criteria: Invitae Variant Classification Sherloc (09022015). Collection method: clinical testing. Allele origin: germline.
Comment: This sequence change replaces glycine, which is neutral and non-polar, with serine, which is neutral and polar, at codon 189 of the BLM protein (p.Gly189Ser). This variant is present in population databases (no rsID available, gnomAD 0.0009%). This variant has not been reported in the literature in individuals affected with BLM-related conditions. ClinVar contains an entry for this variant (Variation ID: 1061480). An algorithm developed to predict the effect of missense changes on protein structure and function outputs the following: PolyPhen-2: "Benign". The serine amino acid residue is found in multiple mammalian species, which suggests that this missense change does not adversely affect protein function. In summary, the available evidence is currently insufficient to determine the role of this variant in disease. Therefore, it has been classified as a Variant of Uncertain Significance.

Ambry Genetics
Classification: Likely benign for Hereditary cancer-predisposing syndrome. Last evaluated: 2024-05-16. Review status: criteria provided, single submitter. Criteria: Ambry Variant Classification Scheme 2023. Collection method: clinical testing. Allele origin: germline.

Natera, Inc.
Classification: Uncertain significance for Bloom syndrome. Last evaluated: 2021-02-11. Review status: no assertion criteria provided. Collection method: clinical testing. Allele origin: germline. Not counted in ClinVar's aggregate classification.

NM_000057.4(BLM):c.565G>A (p.Gly189Ser)

Gene: BLM (BLM RecQ like helicase; plus strand). Cytogenetic location: 15q26.1.
Variant type: single nucleotide variant.
Coding change: c.565G>A on transcript NM_000057.4 (MANE Select); coding-DNA position 565, G replaced by A.
Protein change: p.Gly189Ser; replaces glycine 189 with serine.
Molecular consequence: missense variant. On other transcripts: 5 prime UTR variant (1).
Genome position (GRCh38, 1-based): chr15:90,749,833, G>A. VCF-style: chr15-90749833-G-A. GRCh37 (hg19) VCF-style: chr15-91293063-G-A.
Other names: c.565G>A, p.Gly189Ser (NM_001287246.2, NM_001287247.2); c.-727G>A (NM_001287248.2); c.565G>A (NM_000057.2); short protein forms G189S.
Identifiers: ClinVar variation 1061480 (VCV001061480.12), dbSNP rs1180631656, ClinGen allele CA393841063.
Genomic context (GRCh38, chr15:90,749,833, plus strand): 5'-TTTGTTACACCACCCCAAAGTCACTTTGTAAGAGTAAGCACTGCTCAGAAATCAAAAAAG[G>A]GTAAGAGAAACTTTTTTAAAGCACAGCTTTATACAACAAACACAGTAAAGACTGATTTGC-3'
Protein context (NP_000048.1, residues 179-199): RVSTAQKSKK[Gly189Ser]KRNFFKAQLY